The following is an entry in ClinVar:

NM_000053.4(ATP7B):c.3521T>A (p.Met1174Lys)

Gene: ATP7B (ATPase copper transporting beta; minus strand). Cytogenetic location: 13q14.3.
Variant type: single nucleotide variant.
Coding change: c.3521T>A on transcript NM_000053.4 (MANE Select); coding-DNA position 3521, T replaced by A.
Protein change: p.Met1174Lys; replaces methionine 1174 with lysine.
Molecular consequence: missense variant. On other transcripts: intron variant (2).
Genome position (GRCh38, 1-based): chr13:51,941,116, A>T on the plus strand (T>A on the coding strand, the complement: ATP7B is on the minus strand). VCF-style: chr13-51941116-A-T. GRCh37 (hg19) VCF-style: chr13-52515252-A-T.
Other names: c.3269T>A, p.Met1090Lys (NM_001406531.1, NM_001406532.1, NM_001330579.2); c.3233T>A, p.Met1078Lys (NM_001406534.1); c.3191T>A, p.Met1064Lys (NM_001406535.1, NM_001406536.1); c.3182T>A, p.Met1061Lys (NM_001406537.1); c.3092T>A, p.Met1031Lys (NM_001406539.1); c.3074T>A, p.Met1025Lys (NM_001406540.1); c.3035T>A, p.Met1012Lys (NM_001406541.1, NM_001406542.1); c.2939T>A, p.Met980Lys (NM_001406544.1); and 20 more; short protein forms M1012K, M1025K, M1031K, M1061K, M1063K, M1064K, M1078K, M1090K.
Identifiers: ClinVar variation 3074582 (VCV003074582.1), dbSNP rs2547599926, ClinGen allele CA388026129.

ClinVar aggregate classification (germline): Uncertain significance (1 of 4 stars; one submission).

Conditions:
Wilson disease (WND). Also called: Wilson's disease. Identifiers: Orphanet 905, MedGen C0019202, MONDO:0010200, OMIM 277900. Disease mechanism: loss of function.

Submission:

All of Us Research Program, National Institutes of Health
Classification: Uncertain significance for Wilson disease. Last evaluated: 2023-11-20. Review status: criteria provided, single submitter. Criteria: ACMG Guidelines, 2015. Collection method: clinical testing. Allele origin: germline. Inheritance: Autosomal recessive inheritance. Observed: 1 variant allele, 1 heterozygote.
Comment: This missense variant replaces methionine with lysine at codon 1174 of the ATP7B protein. Computational prediction is inconclusive regarding the impact of this variant on protein structure and function (internally defined REVEL score threshold 0.5 < inconclusive < 0.7, PMID: 27666373). To our knowledge, functional studies have not been reported for this variant. This variant has not been reported in individuals affected with ATP7B-related disorders in the literature. This variant has not been identified in the general population by the Genome Aggregation Database (gnomAD). The available evidence is insufficient to determine the role of this variant in disease conclusively. Therefore, this variant is classified as a Variant of Uncertain Significance.

This study involves interpretation of variants in research participants for the purpose of population health screening. Participant phenotype was not available at the time of variant classification. Additional details can be found in publication PMID: 35346344, PMCID: PMC8962531